The following is an entry in ClinVar:

NM_000553.6(WRN):c.836G>A (p.Arg279Gln)

Gene: WRN (WRN RecQ like helicase; plus strand). Cytogenetic location: 8p12.
Variant type: single nucleotide variant.
Coding change: c.836G>A on transcript NM_000553.6 (MANE Select); coding-DNA position 836, G replaced by A.
Protein change: p.Arg279Gln; replaces arginine 279 with glutamine.
Molecular consequence: missense variant.
Genome position (GRCh38, 1-based): chr8:31,076,284, G>A. VCF-style: chr8-31076284-G-A. GRCh37 (hg19) VCF-style: chr8-30933800-G-A.
Other names: short protein forms R279Q.
Identifiers: ClinVar variation 647737 (VCV000647737.6), dbSNP rs768400363, ClinGen allele CA4704171.
Genomic context (GRCh38, chr8:31,076,284, plus strand): 5'-AGGAAGTGATGGATCTGGCTAAGCATCTTCCTCATGCTTTCAGTAAATTGGAAAACCCAC[G>A]GAGGTTAAATATTACCTTTTTTTTTTTTAACTTAAATCAATTCTGTTTATTTTTTTATCA-3'
Protein context (NP_000544.2, residues 269-289): PHAFSKLENP[Arg279Gln]RVSILLKDIS

ClinVar aggregate classification (germline): Uncertain significance. Review status: criteria provided, multiple submitters, no conflicts (2 of 4 stars). 2 submissions from 2 submitters: Uncertain significance (2). Last evaluated 2025-03-10.

Conditions:
Werner syndrome (WRN). Identifiers: Orphanet 902, MedGen C0043119, MONDO:0010196, OMIM 277700.

Allele frequency attached by ClinVar (database versions not stated): gnomAD exomes 0.00001; ExAC 0.00002; gnomAD 0.00002; TOPMed 0.00002.

Submissions (2):

Labcorp Genetics (formerly Invitae), Labcorp
Classification: Uncertain significance for Werner syndrome. Last evaluated: 2025-03-10. Review status: criteria provided, single submitter. Criteria: Invitae Variant Classification Sherloc (09022015). Collection method: clinical testing. Allele origin: germline.
Comment: This sequence change replaces arginine, which is basic and polar, with glutamine, which is neutral and polar, at codon 279 of the WRN protein (p.Arg279Gln). This variant is present in population databases (rs768400363, gnomAD 0.007%). This variant has not been reported in the literature in individuals affected with WRN-related conditions. ClinVar contains an entry for this variant (Variation ID: 647737). An algorithm developed to predict the effect of missense changes on protein structure and function outputs the following: PolyPhen-2: "Benign". The glutamine amino acid residue is found in multiple mammalian species, which suggests that this missense change does not adversely affect protein function. In summary, the available evidence is currently insufficient to determine the role of this variant in disease. Therefore, it has been classified as a Variant of Uncertain Significance.

Fulgent Genetics
Classification: Uncertain significance for Werner syndrome. Last evaluated: 2024-04-30. Review status: criteria provided, single submitter. Criteria: ACMG Guidelines, 2015. Collection method: clinical testing. Allele origin: germline.